The following is an entry in ClinVar:

NM_018486.3(HDAC8):c.356C>G (p.Thr119Arg)

Gene: HDAC8 (histone deacetylase 8; minus strand). Cytogenetic location: Xq13.1.
Variant type: single nucleotide variant.
Coding change: c.356C>G on transcript NM_018486.3 (MANE Select); coding-DNA position 356, C replaced by G.
Protein change: p.Thr119Arg; replaces threonine 119 with arginine.
Molecular consequence: missense variant. On other transcripts: intron variant (2).
Genome position (GRCh38, 1-based): chrX:72,567,970, G>C on the plus strand (C>G on the coding strand, the complement: HDAC8 is on the minus strand). VCF-style: chrX-72567970-G-C. GRCh37 (hg19) VCF-style: chrX-71787820-G-C.
Other names: p.Thr119Arg; c.356C>G, p.Thr119Arg (NM_001166419.2, NM_001166420.2, NM_001166422.2); c.164+4087C>G (NM_001166418.2, NM_001166448.2); short protein forms T119R.
Identifiers: ClinVar variation 987749 (VCV000987749.4), dbSNP rs587779380, ClinGen allele CA413574437.

ClinVar aggregate classification (germline): Pathogenic. Review status: criteria provided, multiple submitters, no conflicts (2 of 4 stars). 2 submissions from 2 submitters: Pathogenic (2). Last evaluated 2019-01-30.

Conditions:
Cornelia de Lange syndrome 5 (CDLS5). Also called: HDAC8-Related Cornelia de Lange Syndrome. Identifiers: Orphanet 199, MedGen C3550903, MONDO:0010471, OMIM 300882.

Submissions (2):

Foundation for Research in Genetics and Endocrinology, FRIGE's Institute of Human Genetics
Classification: Pathogenic for Cornelia de Lange syndrome 5. Last evaluated: 2019-01-30. Review status: criteria provided, single submitter. Criteria: ACMG Guidelines, 2015. Collection method: clinical testing. Allele origin: de novo. Inheritance: X-linked dominant inheritance. Affected: yes. Observed: 1 heterozygote.
Comment: A heterozygous missense variation in exon 4 of the HDAC8 gene that results in the amino acid substitution of Arginine for Threonine at codon 119 was detected. The observed variant c.356C>G(p.Thr119Arg) not been reported in the 1000 genomes, ExAC and our internal databases. The in silico prediction of the variant is probably damaging by PolyPhen-2 (HumDiv), damaging by SIFT, damaging by LRT and MutationTaster2. The reference codon is conserved across species. Segregation analysis suggests the variant to be of de novo origin. In summary, the variant meets our criteria to be classified as pathogenic.

Institute of Medical Genetics, ASUI Udine
Classification: Pathogenic for Cornelia de Lange syndrome 5. Review status: criteria provided, single submitter. Criteria: ACMG Guidelines, 2015. Collection method: clinical testing. Allele origin: de novo. Inheritance: X-linked dominant inheritance. Affected: yes. Observed: 1 heterozygote.
Comment: HDAC c.356C>G results in a non-conservative amino acid change (p.Thr119Arg) located in the Histone deacetylase domain of the encoded protein sequence. The variant is classified as pathogenic, since it is absent in population databases, it is predicted as having a deleterious effect by multiple computational analyses and it is a de novo variant. Moreover, a c.356C>T transition has been described (Yuan et al., 2015) and two clinical diagnostic laboratories submitted pathogenic classifications for this variant to ClinVar. To date, 48 unique deleterious variants have been reported in HDAC8 and associated to Cornelia de Lange syndrome 5. By molecular modeling, the amino acid change compromises the conformational flexibility of the HDAC8 loop required for optimal catalytic function, triggering global structural changes that propagate through the protein scaffold to the catalytic site, creating de facto haploinsufficiency. The effects observed are similar of those described by Decroos and colleagues regarding the p.Gly117Glu replacement, which compromises the conformational flexibility of the HDAC8 loop required for optimal catalytic function, resulting in a 5% residual enzyme activity.

Literature cited by the submitters: PubMed 26463496 (cited by Institute of Medical Genetics, ASUI Udine); PubMed 25574841 (cited by Institute of Medical Genetics, ASUI Udine).